The following is an entry in ClinVar:

ClinVar aggregate classification (germline): Pathogenic (1 of 4 stars; one submission).

Conditions:
Developmental and epileptic encephalopathy. Identifiers: MedGen C5779964, MONDO:0100620.

Submission:

Labcorp Genetics (formerly Invitae), Labcorp
Classification: Pathogenic for Early-infantile DEE. Last evaluated: 2023-11-10. Review status: criteria provided, single submitter. Criteria: Invitae Variant Classification Sherloc (09022015). Collection method: clinical testing. Allele origin: unknown.
Comment: This variant is a gross deletion of the genomic region encompassing exon(s) 2-15 of the KCNQ2 gene. This variant would be expected to be in-frame, preserving the integrity of the reading frame. This variant has not been reported in the literature in individuals affected with KCNQ2-related conditions. This variant disrupts a region of the KCNQ2 protein in which other variant(s) (Deletion (Exons 10-12)) have been determined to be pathogenic (Invitae). This suggests that this is a clinically significant region of the protein, and that variants that disrupt it are likely to be disease-causing. For these reasons, this variant has been classified as Pathogenic.

NC_000020.10:g.(?_62044783)_(62078210_?)del

Gene: KCNQ2 (potassium voltage-gated channel subfamily Q member 2; minus strand). Cytogenetic location: 20q13.33.
Variant type: Deletion.
Identifiers: ClinVar variation 3248241 (VCV003248241.1).